The following is an entry in ClinVar:

NM_178857.6(RP1L1):c.208C>T (p.Gln70Ter)

Gene: RP1L1 (RP1 like 1). Cytogenetic location: 8p23.1.
Variant type: single nucleotide variant.
Coding change: c.208C>T on transcript NM_178857.6 (MANE Select); coding-DNA position 208, C replaced by T.
Protein change: p.Gln70Ter; replaces glutamine 70 with a stop codon.
Molecular consequence: nonsense.
Genome position (GRCh38, 1-based): chr8:10,622,994, G>A on the plus strand (C>T on the coding strand, the complement: RP1L1 is on the minus strand). VCF-style: chr8-10622994-G-A. GRCh37 (hg19) VCF-style: chr8-10480504-G-A.
Other names: short protein forms Q70*.
Identifiers: ClinVar variation 3610065 (VCV003610065.3).

ClinVar aggregate classification (germline): Conflicting classifications of pathogenicity. Review status: criteria provided, conflicting classifications (1 of 4 stars). 2 submissions from 2 submitters: Likely pathogenic (1); Uncertain significance (1). Last evaluated 2024-10-02.

Conditions:
RP1L1-related disorder. Also called: RP1L1-related condition.

gnomAD v4.1: 1 of 1,614,178 alleles (0.000062%); highest among the groups gnomAD compares: Non-Finnish European, 0.000085%; no homozygotes.

Submissions (2):

Labcorp Genetics (formerly Invitae), Labcorp
Classification: Uncertain significance. Last evaluated: 2024-10-02. Review status: criteria provided, single submitter. Criteria: Invitae Variant Classification Sherloc (09022015). Collection method: clinical testing. Allele origin: germline.
Comment: This sequence change creates a premature translational stop signal (p.Gln70*) in the RP1L1 gene. It is expected to result in an absent or disrupted protein product. However, the current clinical and genetic evidence is not sufficient to establish whether loss-of-function variants in RP1L1 cause disease. This variant is not present in population databases (gnomAD no frequency). This variant has not been reported in the literature in individuals affected with RP1L1-related conditions. In summary, the available evidence is currently insufficient to determine the role of this variant in disease. Therefore, it has been classified as a Variant of Uncertain Significance.

Blueprint Genetics
Classification: Likely pathogenic for RP1L1-related disorders. Last evaluated: 2018-11-02. Review status: criteria provided, single submitter. Criteria: ACMG Guidelines, 2015. Collection method: clinical testing. Allele origin: germline. Affected: yes. Observed: 1 variant allele.